The following is an entry in ClinVar:

NM_001291303.3(FAT4):c.9020T>C (p.Val3007Ala)

Gene: FAT4 (FAT atypical cadherin 4; plus strand). Cytogenetic location: 4q28.1.
Variant type: single nucleotide variant.
Coding change: c.9020T>C on transcript NM_001291303.3 (MANE Select); coding-DNA position 9020, T replaced by C.
Protein change: p.Val3007Ala; replaces valine 3007 with alanine.
Molecular consequence: missense variant.
Genome position (GRCh38, 1-based): chr4:125,450,030, T>C. VCF-style: chr4-125450030-T-C. GRCh37 (hg19) VCF-style: chr4-126371185-T-C.
Other names: c.9020T>C, p.Val3007Ala (NM_001291285.3, NM_001438396.1, NM_001438397.1); c.3791T>C, p.Val1264Ala (NM_001437895.1); c.9014T>C, p.Val3005Ala (NM_024582.6); short protein forms V3007A, V1264A, V3005A.
Identifiers: ClinVar variation 4741040 (VCV004741040.1).

ClinVar aggregate classification (germline): Uncertain significance (1 of 4 stars; one submission).

Submission:

Labcorp Genetics (formerly Invitae), Labcorp
Classification: Uncertain significance. Last evaluated: 2025-06-27. Review status: criteria provided, single submitter. Criteria: Invitae Variant Classification Sherloc (09022015). Collection method: clinical testing. Allele origin: germline.
Comment: This sequence change replaces valine, which is neutral and non-polar, with alanine, which is neutral and non-polar, at codon 3005 of the FAT4 protein (p.Val3005Ala). This variant is not present in population databases (gnomAD no frequency). This variant has not been reported in the literature in individuals affected with FAT4-related conditions. Invitae Evidence Modeling of protein sequence and biophysical properties (such as structural, functional, and spatial information, amino acid conservation, physicochemical variation, residue mobility, and thermodynamic stability) indicates that this missense variant is not expected to disrupt FAT4 protein function with a negative predictive value of 80%. In summary, the available evidence is currently insufficient to determine the role of this variant in disease. Therefore, it has been classified as a Variant of Uncertain Significance.